The following is an entry in ClinVar:

NM_001267550.2(TTN):c.43748-1G>A

Gene: TTN (titin; minus strand). Cytogenetic location: 2q31.2.
Variant type: single nucleotide variant.
Coding change: c.43748-1G>A on transcript NM_001267550.2 (MANE Select); the canonical splice acceptor site of the intron before coding-DNA position 43748, G replaced by A.
Molecular consequence: splice acceptor variant.
Genome position (GRCh38, 1-based): chr2:178,631,301, C>T on the plus strand (G>A on the coding strand, the complement: TTN is on the minus strand). VCF-style: chr2-178631301-C-T. GRCh37 (hg19) VCF-style: chr2-179496028-C-T.
Other names: c.16553-1G>A (NM_003319.4); c.17129-1G>A (NM_133437.4); c.16928-1G>A (NM_133432.3); c.36044-1G>A (NM_133378.4); c.38825-1G>A (NM_001256850.1).
Identifiers: ClinVar variation 202366 (VCV000202366.12), dbSNP rs794729259, ClinGen allele CA309211.

ClinVar aggregate classification (germline): Conflicting classifications of pathogenicity. Review status: criteria provided, conflicting classifications (1 of 4 stars). 2 submissions from 2 submitters: Likely pathogenic (1); Uncertain significance (1). Last evaluated 2024-10-15.

Conditions:
Dilated cardiomyopathy 1G (CMD1G). Identifiers: Orphanet 154, MedGen C1858763, MONDO:0011400, OMIM 604145.
Autosomal recessive limb-girdle muscular dystrophy type 2J (LGMDR10). Also called: MUSCULAR DYSTROPHY, LIMB-GIRDLE, AUTOSOMAL RECESSIVE 10; Limb-girdle muscular dystrophy, type 2J. Identifiers: Orphanet 140922, MedGen C1837342, MONDO:0012127, OMIM 608807.

Submissions (2):

Labcorp Genetics (formerly Invitae), Labcorp
Classification: Likely pathogenic for Dilated cardiomyopathy 1G; Autosomal recessive limb-girdle muscular dystrophy type 2J. Last evaluated: 2024-10-15. Review status: criteria provided, single submitter. Criteria: Invitae Variant Classification Sherloc (09022015). Collection method: clinical testing. Allele origin: germline.
Comment: This sequence change affects an acceptor splice site in intron 236 of the TTN gene. It is expected to disrupt RNA splicing and likely results in a truncated or disrupted TTN protein. This variant is not present in population databases (gnomAD no frequency). This variant has not been reported in the literature in individuals affected with TTN-related conditions. ClinVar contains an entry for this variant (Variation ID: 202366). Algorithms developed to predict the effect of sequence changes on RNA splicing suggest that this variant may disrupt the consensus splice site. This variant is located in the I band of TTN (PMID: 25589632). Truncating variants in this region have been reported in individuals affected with autosomal recessive centronuclear myopathy (PMID: 23975875, internal data). Truncating variants in this region have also been identified in individuals affected with autosomal dominant dilated cardiomyopathy and/or cardio-related conditions (PMID: 27869827, 32964742, internal data). In summary, the currently available evidence indicates that the variant is pathogenic, but additional data are needed to prove that conclusively. Therefore, this variant has been classified as Likely Pathogenic.

GeneDx
Classification: Uncertain significance. Last evaluated: 2014-07-11. Review status: criteria provided, single submitter. Criteria: GeneDx Variant Classification (06012015). Collection method: clinical testing. Allele origin: germline. Affected: yes.
Comment: c.38825-1 G>A: IVS186-1 G>A in intron 186 of the TTN gene (NM_001256850.1). Although the c.38825-1 G>A variant has not been reported as a disease-causing mutation or as a benign polymorphism to our knowledge, this variant destroys the canonical splice donor site in intron 186 and is predicted to cause abnormal gene splicing. The variant is predicted to lead to either an abnormal message that is subject to nonsense-mediated mRNA decay, or to an abnormal protein product if the message is used for protein translation. In addition, c.38825-1 G>A was not observed in approximately 6,000 individuals of European and African American ancestry in the NHLBI Exome Sequencing Project, indicating it is not a common benign variant in these populations. However, c.38825-1 G>A is not located in the A-band region of titin, where the majority of truncating mutations associated with DCM have been reported (Herman D et al., 2012). Other truncating variants have been reported in approximately 3% of control alleles (Herman D et al., 2012).Therefore, based on the currently available information, it is unclear whether this variant is a pathogenic mutation or a rare benign variant. The variant is found in DCM-CRDM panel(s).

Literature cited by the submitters: PubMed 25589632 (cited by Labcorp Genetics (formerly Invitae), Labcorp); PubMed 23975875 (cited by Labcorp Genetics (formerly Invitae), Labcorp); PubMed 27869827 (cited by Labcorp Genetics (formerly Invitae), Labcorp); PubMed 32964742 (cited by Labcorp Genetics (formerly Invitae), Labcorp).